The following is an entry in ClinVar:

NM_000343.4(SLC5A1):c.1673G>A (p.Arg558His)

Gene: SLC5A1 (solute carrier family 5 member 1; plus strand). Cytogenetic location: 22q12.3.
Variant type: single nucleotide variant.
Coding change: c.1673G>A on transcript NM_000343.4 (MANE Select); coding-DNA position 1673, G replaced by A.
Protein change: p.Arg558His; replaces arginine 558 with histidine.
Molecular consequence: missense variant.
Genome position (GRCh38, 1-based): chr22:32,104,793, G>A. VCF-style: chr22-32104793-G-A. GRCh37 (hg19) VCF-style: chr22-32500780-G-A.
Other names: c.1292G>A, p.Arg431His (NM_001256314.2); short protein forms R558H, R431H.
Identifiers: ClinVar variation 127077 (VCV000127077.22), dbSNP rs201799893, ClinGen allele CA151364.

ClinVar aggregate classification (germline): Conflicting classifications of pathogenicity. Review status: criteria provided, conflicting classifications (1 of 4 stars). 6 submissions from 6 submitters: Pathogenic (2); Likely pathogenic (1); Uncertain significance (2). 1 of the submissions does not count toward it. Last evaluated 2025-09-01.

Conditions:
SLC5A1-related disorder. Also called: SLC5A1-related condition.
Congenital glucose-galactose malabsorption (GGM). Also called: MONOSACCHARIDE MALABSORPTION; DIARRHEA 16. Identifiers: Orphanet 35710, MedGen C0268186, MONDO:0011731, OMIM 606824.

Allele frequency attached by ClinVar (database versions not stated): gnomAD 0.00001; TOPMed 0.00002; ExAC 0.00003; gnomAD exomes 0.00003 and 0.00004.
gnomAD v4.1: 47 of 1,613,610 alleles (0.0029%); highest among the groups gnomAD compares: Admixed American, 0.013%; no homozygotes.

Submissions (6):

Labcorp Genetics (formerly Invitae), Labcorp
Classification: Pathogenic for Congenital glucose-galactose malabsorption. Last evaluated: 2025-09-01. Review status: criteria provided, single submitter. Criteria: Invitae Variant Classification Sherloc (09022015). Collection method: clinical testing. Allele origin: germline.
Comment: This sequence change replaces arginine, which is basic and polar, with histidine, which is basic and polar, at codon 558 of the SLC5A1 protein (p.Arg558His). This variant is present in population databases (rs201799893, gnomAD 0.02%). This missense change has been observed in individual(s) with glucose-galactose malabsorption (PMID: 20486940). It has also been observed to segregate with disease in related individuals. ClinVar contains an entry for this variant (Variation ID: 127077). Invitae Evidence Modeling of protein sequence and biophysical properties (such as structural, functional, and spatial information, amino acid conservation, physicochemical variation, residue mobility, and thermodynamic stability) has been performed for this missense variant. However, the output from this modeling did not meet the statistical confidence thresholds required to predict the impact of this variant on SLC5A1 protein function. This variant disrupts the p.Arg558 amino acid residue in SLC5A1. Other variant(s) that disrupt this residue have been observed in individuals with SLC5A1-related conditions (internal data), which suggests that this may be a clinically significant amino acid residue. For these reasons, this variant has been classified as Pathogenic.

Blueprint Genetics
Classification: Likely pathogenic for SLC5A1-related disorders. Last evaluated: 2024-09-19. Review status: criteria provided, single submitter. Criteria: ACMG Guidelines, 2015. Collection method: clinical testing. Allele origin: germline. Affected: yes. Observed: 5 variant alleles.

Baylor Genetics
Classification: Uncertain significance for Congenital glucose-galactose malabsorption. Last evaluated: 2022-11-04. Review status: criteria provided, single submitter. Criteria: ACMG Guidelines, 2015. Collection method: clinical testing. Allele origin: unknown.

Illumina Laboratory Services, Illumina
Classification: Uncertain significance for Congenital glucose-galactose malabsorption. Last evaluated: 2017-04-28. Review status: criteria provided, single submitter. Criteria: ICSL Variant Classification Criteria 13 December 2019. Collection method: clinical testing. Allele origin: germline.
Comment: This variant was observed as part of a predisposition screen in an ostensibly healthy population. A literature search was performed for the gene, cDNA change, and amino acid change (where applicable). Publications were found based on this search. However, the evidence from the literature, in combination with allele frequency data from public databases where available, was not sufficient to rule this variant in or out of causing disease. Therefore, this variant is classified as a variant of unknown significance.

Eurofins Ntd Llc (ga)
Classification: Pathogenic. Last evaluated: 2016-12-09. Review status: criteria provided, single submitter. Criteria: EGL Classification Definitions 2015. Collection method: clinical testing. Allele origin: germline. Observed: 1 variant allele, 1 heterozygote.

OMIM
Classification: Pathogenic for GLUCOSE/GALACTOSE MALABSORPTION. Last evaluated: 2011-01-01. Review status: no assertion criteria provided. Collection method: literature only. Allele origin: germline. Not counted in ClinVar's aggregate classification.

Literature cited by the submitters: PubMed 20486940 (cited by 3 submitters).